The following is an entry in ClinVar:

NM_001271803.2(REEP2):c.350C>T (p.Thr117Ile)

Gene: REEP2 (receptor accessory protein 2; plus strand). Cytogenetic location: 5q31.2.
Variant type: single nucleotide variant.
Coding change: c.350C>T on transcript NM_001271803.2 (MANE Select); coding-DNA position 350, C replaced by T.
Protein change: p.Thr117Ile; replaces threonine 117 with isoleucine.
Molecular consequence: missense variant. On other transcripts: non-coding transcript variant (2).
Genome position (GRCh38, 1-based): chr5:138,444,800, C>T. VCF-style: chr5-138444800-C-T. GRCh37 (hg19) VCF-style: chr5-137780489-C-T.
Other names: c.350C>T, p.Thr117Ile (NM_016606.4); short protein forms T117I.
Identifiers: ClinVar variation 1418172 (VCV001418172.8), dbSNP rs1763895130, ClinGen allele CA361103711.
Genomic context (GRCh38, chr5:138,444,800, plus strand): 5'-CTCCAATCCCATAGGAGATCGACGAGTACATCACGCAGGCCCGAGACAAGAGCTATGAGA[C>T]CATGATGAGGGTGGGCAAGAGGGGCCTGAACCTTGCCGCCAATGCTGCAGTCACAGCTGC-3'
Protein context (NP_001258732.1, residues 107-127): ITQARDKSYE[Thr117Ile]MMRVGKRGLN

ClinVar aggregate classification (germline): Uncertain significance (1 of 4 stars; one submission).

Conditions:
Hereditary spastic paraplegia 72 (SPG72A). Also called: Spastic paraplegia 72, autosomal recessive. Identifiers: Orphanet 401849, MedGen C5882669, MONDO:0014282, OMIM 615625.

Allele frequency attached by ClinVar (database versions not stated): gnomAD 0.00001.
gnomAD v4.1: 1 of 1,613,958 alleles (0.000062%); highest among the groups gnomAD compares: African/African-American, 0.0013%; no homozygotes.

Submission:

Labcorp Genetics (formerly Invitae), Labcorp
Classification: Uncertain significance for Hereditary spastic paraplegia 72. Last evaluated: 2021-04-29. Review status: criteria provided, single submitter. Criteria: Invitae Variant Classification Sherloc (09022015). Collection method: clinical testing. Allele origin: germline.
Comment: This sequence change replaces threonine with isoleucine at codon 117 of the REEP2 protein (p.Thr117Ile). The threonine residue is moderately conserved and there is a moderate physicochemical difference between threonine and isoleucine. This variant is not present in population databases (ExAC no frequency). This variant has not been reported in the literature in individuals with REEP2-related conditions. In summary, the available evidence is currently insufficient to determine the role of this variant in disease. Therefore, it has been classified as a Variant of Uncertain Significance. Algorithms developed to predict the effect of missense changes on protein structure and function are either unavailable or do not agree on the potential impact of this missense change (SIFT: "Deleterious"; PolyPhen-2: "Probably Damaging"; Align-GVGD: "Class C0").